The following is an entry in ClinVar:

ClinVar aggregate classification (germline): Uncertain significance (1 of 4 stars; one submission).

Submission:

GeneDx
Classification: Uncertain significance. Last evaluated: 2026-05-22. Review status: criteria provided, single submitter. Criteria: GeneDx Variant Classification Process June 2021. Collection method: clinical testing. Allele origin: germline.
Comment: Not observed at significant frequency in large population cohorts (gnomAD); In silico analysis supports that this missense variant does not alter protein structure/function; Has not been previously published as pathogenic or benign to our knowledge

NM_000116.5(TAFAZZIN):c.41C>A (p.Pro14Gln)

Genes: DNASE1L1 (deoxyribonuclease 1 like 1; minus strand), TAFAZZIN (tafazzin, phospholipid-lysophospholipid transacylase; plus strand), LOC130068869 (ATAC-STARR-seq lymphoblastoid silent region 21101; plus strand). Cytogenetic location: Xq28.
Variant type: single nucleotide variant.
Coding change: c.41C>A on transcript NM_000116.5 (MANE Select); coding-DNA position 41, C replaced by A.
Protein change: p.Pro14Gln; replaces proline 14 with glutamine.
Molecular consequence: missense variant. On other transcripts: non-coding transcript variant (1), intron variant (3).
Genome position (GRCh38, 1-based): chrX:154,411,884, C>A. VCF-style: chrX-154411884-C-A. GRCh37 (hg19) VCF-style: chrX-153640221-C-A.
Other names: c.41C>A, p.Pro14Gln (NM_001303465.2, NM_001410698.1, NM_001440856.1 and 5 more transcripts); c.-88+7G>T (NM_001009934.3); c.-173+7G>T (NM_001009933.3); c.-431+7G>T (NM_001009932.3); short protein forms P14Q.
Identifiers: ClinVar variation 1712690 (VCV001712690.3), dbSNP rs2522919267, ClinGen allele CA415178142.